The following is an entry in ClinVar:

NM_000038.6(APC):c.3980C>G (p.Ser1327Ter)

Gene: APC (APC regulator of Wnt signaling pathway; plus strand). Cytogenetic location: 5q22.2.
Variant type: single nucleotide variant.
Coding change: c.3980C>G on transcript NM_000038.6 (MANE Select); coding-DNA position 3980, C replaced by G.
Protein change: p.Ser1327Ter; replaces serine 1327 with a stop codon.
Molecular consequence: nonsense.
Genome position (GRCh38, 1-based): chr5:112,839,574, C>G. VCF-style: chr5-112839574-C-G. GRCh37 (hg19) VCF-style: chr5-112175271-C-G.
Other names: c.3980C>G, p.Ser1327Ter (NM_001127510.3, NM_001354895.2); c.3926C>G, p.Ser1309Ter (NM_001127511.3); c.4034C>G, p.Ser1345Ter (NM_001354896.2); c.4010C>G, p.Ser1337Ter (NM_001354897.2); c.3905C>G, p.Ser1302Ter (NM_001354898.2); c.3896C>G, p.Ser1299Ter (NM_001354899.2); c.3857C>G, p.Ser1286Ter (NM_001354900.2); c.3803C>G, p.Ser1268Ter (NM_001354901.2); and 5 more; short protein forms S1309*, S1327*, S1044*, S1167*, S1226*, S1236*, S1268*, S1299*.
Identifiers: ClinVar variation 469943 (VCV000469943.11), dbSNP rs1554085429, ClinGen allele CA16030059.

ClinVar aggregate classification (germline): Pathogenic. Review status: criteria provided, multiple submitters, no conflicts (2 of 4 stars). 2 submissions from 2 submitters: Pathogenic (2). Last evaluated 2023-05-09.

Conditions:
Familial adenomatous polyposis 1 (FAP1). Also called: POLYPOSIS, ADENOMATOUS INTESTINAL; FAMILIAL ADENOMATOUS POLYPOSIS 1, ATTENUATED. Identifiers: MedGen C2713442, MONDO:0021056, OMIM 175100. Disease mechanism: loss of function.

Submissions (2):

Myriad Genetics, Inc.
Classification: Pathogenic for Familial adenomatous polyposis 1. Last evaluated: 2023-05-09. Review status: criteria provided, single submitter. Criteria: Myriad Autosomal Dominant, Autosomal Recessive and X-Linked Classification Criteria (2023). Collection method: clinical testing. Allele origin: unknown.
Comment: This variant is considered pathogenic. This variant creates a termination codon and is predicted to result in premature protein truncation.

Labcorp Genetics (formerly Invitae), Labcorp
Classification: Pathogenic for Familial adenomatous polyposis 1. Last evaluated: 2017-02-20. Review status: criteria provided, single submitter. Criteria: Invitae Variant Classification Sherloc (09022015). Collection method: clinical testing. Allele origin: germline.
Comment: For these reasons, this variant has been classified as Pathogenic. This sequence change results in a premature translational stop signal in the last exon of the APC mRNA at codon 1327 (p.Ser1327*). While this is not anticipated to result in nonsense mediated decay, it is expected to delete the last 1,517 amino acids (>50%) of the APC protein. While this particular variant has not been reported in the literature, loss-of-function variants in APC are known to be pathogenic (PMID: 20685668, 17963004). In addition, multiple truncating variants downstream of this variant have been reported as pathogenic in individuals with FAP (PMID: 20685668, 20223039).

Literature cited by the submitters: PubMed 20685668 (cited by Labcorp Genetics (formerly Invitae), Labcorp); PubMed 17963004 (cited by Labcorp Genetics (formerly Invitae), Labcorp); PubMed 20223039 (cited by Labcorp Genetics (formerly Invitae), Labcorp).